The following is an entry in ClinVar:

ClinVar aggregate classification (germline): Uncertain significance (1 of 4 stars; one submission).

Conditions:
Charcot-Marie-Tooth disease dominant intermediate B (CMTDIB). Also called: Charcot-Marie-Tooth disease dominant intermediate 1; CMT DI1; Charcot-Marie-Tooth disease dominant intermediate I; CHARCOT-MARIE-TOOTH NEUROPATHY, DOMINANT INTERMEDIATE B. Identifiers: Orphanet 100044, Orphanet 228179, MedGen C1847902, MONDO:0011674, OMIM 606482.

gnomAD v4.1: 1 of 1,614,214 alleles (0.000062%); highest among the groups gnomAD compares: Non-Finnish European, 0.000085%; no homozygotes.

Submission:

Labcorp Genetics (formerly Invitae), Labcorp
Classification: Uncertain significance for Charcot-Marie-Tooth disease dominant intermediate B. Last evaluated: 2022-06-22. Review status: criteria provided, single submitter. Criteria: Invitae Variant Classification Sherloc (09022015). Collection method: clinical testing. Allele origin: germline.
Comment: This variant is not present in population databases (gnomAD no frequency). This sequence change replaces arginine, which is basic and polar, with leucine, which is neutral and non-polar, at codon 467 of the DNM2 protein (p.Arg467Leu). In summary, the available evidence is currently insufficient to determine the role of this variant in disease. Therefore, it has been classified as a Variant of Uncertain Significance. Algorithms developed to predict the effect of missense changes on protein structure and function are either unavailable or do not agree on the potential impact of this missense change (SIFT: "Deleterious"; PolyPhen-2: "Probably Damaging"; Align-GVGD: "Class C0"). This variant has not been reported in the literature in individuals affected with DNM2-related conditions.

NM_001005361.3(DNM2):c.1400G>T (p.Arg467Leu)

Gene: DNM2 (dynamin 2; plus strand). Cytogenetic location: 19p13.2.
Variant type: single nucleotide variant.
Coding change: c.1400G>T on transcript NM_001005361.3 (MANE Select); coding-DNA position 1400, G replaced by T.
Protein change: p.Arg467Leu; replaces arginine 467 with leucine.
Molecular consequence: missense variant.
Genome position (GRCh38, 1-based): chr19:10,798,550, G>T. VCF-style: chr19-10798550-G-T. GRCh37 (hg19) VCF-style: chr19-10909226-G-T.
Other names: c.1400G>T, p.Arg467Leu (NM_001005362.3, NM_001190716.2, NM_004945.4 and 1 more transcripts); short protein forms R467L.
Identifiers: ClinVar variation 2009066 (VCV002009066.4), dbSNP rs776126973, ClinGen allele CA404049640.